The following is an entry in ClinVar:

ClinVar aggregate classification (germline): Uncertain significance (1 of 4 stars; one submission).

gnomAD v4.1: 2 of 1,614,234 alleles (0.00012%); highest among the groups gnomAD compares: Non-Finnish European, 0.00017%; no homozygotes.

Submission:

GeneDx
Classification: Uncertain significance. Last evaluated: 2025-03-05. Review status: criteria provided, single submitter. Criteria: GeneDx Variant Classification Process June 2021. Collection method: clinical testing. Allele origin: germline. Affected: yes.
Comment: Not observed at significant frequency in large population cohorts (gnomAD); In silico analysis supports that this missense variant has a deleterious effect on protein structure/function; Has not been previously published as pathogenic or benign to our knowledge

NM_000238.4(KCNH2):c.2501A>G (p.His834Arg)

Gene: KCNH2 (potassium voltage-gated channel subfamily H member 2; minus strand). Cytogenetic location: 7q36.1.
Variant type: single nucleotide variant.
Coding change: c.2501A>G on transcript NM_000238.4 (MANE Select); coding-DNA position 2501, A replaced by G.
Protein change: p.His834Arg; replaces histidine 834 with arginine.
Molecular consequence: missense variant. On other transcripts: non-coding transcript variant (2).
Genome position (GRCh38, 1-based): chr7:150,948,947, T>C on the plus strand (A>G on the coding strand, the complement: KCNH2 is on the minus strand). VCF-style: chr7-150948947-T-C. GRCh37 (hg19) VCF-style: chr7-150646035-T-C.
Other names: c.2213A>G, p.His738Arg (NM_001406753.1); c.1481A>G, p.His494Arg (NM_172057.3); short protein forms H494R, H738R, H834R.
Identifiers: ClinVar variation 4082721 (VCV004082721.1).
Genomic context (GRCh38, chr7:150,948,947, plus strand): 5'-GACCAGAAGTGGTCGGAGAACTCAGGGTACATGTCCAGCACCTCCAGCAGGTCGTCCCGA[T>C]GGATCTTGTGTAGGTCACAGTAGGTGAGGGCCCGCACATCCCCGTTCGACTTGCCAGGCC-3'
Protein context (NP_000229.1, residues 824-844): ALTYCDLHKI[His834Arg]RDDLLEVLDM